The following is an entry in ClinVar:

NM_016373.4(WWOX):c.885G>A (p.Arg295=)

Gene: WWOX (WW domain containing oxidoreductase; plus strand). Cytogenetic location: 16q23.1.
Variant type: single nucleotide variant.
Coding change: c.885G>A on transcript NM_016373.4 (MANE Select); coding-DNA position 885, G replaced by A.
Protein change: p.Arg295=; no amino-acid change (arginine 295 retained).
Molecular consequence: synonymous variant.
Genome position (GRCh38, 1-based): chr16:78,432,581, G>A. VCF-style: chr16-78432581-G-A. GRCh37 (hg19) VCF-style: chr16-78466478-G-A.
Other names: c.546G>A, p.Arg182= (NM_001291997.2).
Identifiers: ClinVar variation 212617 (VCV000212617.52), dbSNP rs79771882, ClinGen allele CA207157.

ClinVar aggregate classification (germline): Conflicting classifications of pathogenicity. Review status: criteria provided, conflicting classifications (1 of 4 stars). 6 submissions from 6 submitters: Uncertain significance (1); Benign (3); Likely benign (1). 1 of the submissions does not count toward it. Last evaluated 2026-09-01.

Conditions:
WWOX-related disorder. Also called: WWOX-related condition.
Autosomal recessive spinocerebellar ataxia 12. Also called: SPINOCEREBELLAR ATAXIA WITH MENTAL RETARDATION AND EPILEPSY. Identifiers: Orphanet 284282, MedGen C3280452, MONDO:0013687, OMIM 614322.
Developmental and epileptic encephalopathy, 1 (DEE1). Also called: Epileptic encephalopathy, early infantile, 1; OHTAHARA SYNDROME, X-LINKED; X-linked infantile spasms; West's syndrome; Tonic spasms with clustering, arrest of psychomotor development and hypsarrhythmia on EEG; X-Linked Infantile Spasm Syndrome. Identifiers: MedGen C3463992, MONDO:0010632, OMIM 308350. Disease mechanism: loss of function.

Allele frequency attached by ClinVar (database versions not stated): 1000 Genomes Project 30x 0.00437; 1000 Genomes Project 0.00479; TOPMed 0.00641; ESP Exome Variant Server 0.00707; ExAC 0.00758; gnomAD exomes 0.00857 and 0.00896; gnomAD 0.00905 and 0.00946.
gnomAD v4.1: 14,381 of 1,614,140 alleles (0.89%); highest among the groups gnomAD compares: Non-Finnish European, 0.89%; 114 homozygotes.

Submissions (6):

CeGaT Center for Human Genetics Tuebingen
Classification: Likely benign. Last evaluated: 2026-09-01. Review status: criteria provided, single submitter. Criteria: CeGaT Center For Human Genetics Tuebingen Variant Classification Criteria Version 2. Collection method: clinical testing. Allele origin: germline. Affected: yes. Observed: 43 variant alleles.
Comment: WWOX: BP4, BP7, BS2

Labcorp Genetics (formerly Invitae), Labcorp
Classification: Benign for Developmental and epileptic encephalopathy, 1; Autosomal recessive spinocerebellar ataxia 12. Last evaluated: 2026-02-03. Review status: criteria provided, single submitter. Criteria: Invitae Variant Classification Sherloc (09022015). Collection method: clinical testing. Allele origin: germline.

Athena Diagnostics
Classification: Benign. Last evaluated: 2018-04-25. Review status: criteria provided, single submitter. Criteria: Athena Diagnostics Criteria. Collection method: clinical testing. Allele origin: germline.

GeneDx
Classification: Benign. Last evaluated: 2016-08-01. Review status: criteria provided, single submitter. Criteria: GeneDx Variant Classification (06012015). Collection method: clinical testing. Allele origin: germline. Affected: yes.
Comment: This variant is considered likely benign or benign based on one or more of the following criteria: it is a conservative change, it occurs at a poorly conserved position in the protein, it is predicted to be benign by multiple in silico algorithms, and/or has population frequency not consistent with disease.

Genetic Services Laboratory, University of Chicago
Classification: Uncertain significance. Last evaluated: 2014-06-27. Review status: criteria provided, single submitter. Criteria: ACMG Guidelines, 2015. Collection method: clinical testing. Allele origin: germline.

PreventionGenetics, part of Exact Sciences
Classification: Benign for WWOX-related condition. Last evaluated: 2024-05-06. Review status: no assertion criteria provided. Collection method: clinical testing. Allele origin: germline. Not counted in ClinVar's aggregate classification.
Comment: This variant is classified as benign based on ACMG/AMP sequence variant interpretation guidelines (Richards et al. 2015 PMID: 25741868, with internal and published modifications).